The following is an entry in ClinVar:

ClinVar aggregate classification (germline): Uncertain significance (1 of 4 stars; one submission).

Conditions:
Von Hippel-Lindau syndrome (VHLS). Also called: von Hippel–Lindau syndrome; VHL syndrome; Von Hippel-Lindau. Identifiers: Orphanet 892, MedGen C0019562, MONDO:0008667, OMIM 193300. Disease mechanism: loss of function.
Chuvash polycythemia. Also called: POLYCYTHEMIA, VHL-DEPENDENT. Identifiers: Orphanet 238557, MedGen C1837915, MONDO:0009892, OMIM 263400.

Submission:

Labcorp Genetics (formerly Invitae), Labcorp
Classification: Uncertain significance for Von Hippel-Lindau syndrome; Chuvash polycythemia. Last evaluated: 2023-07-07. Review status: criteria provided, single submitter. Criteria: Invitae Variant Classification Sherloc (09022015). Collection method: clinical testing. Allele origin: germline.
Comment: In summary, the available evidence is currently insufficient to determine the role of this variant in disease. Therefore, it has been classified as a Variant of Uncertain Significance. Algorithms developed to predict the effect of sequence changes on RNA splicing suggest that this variant may create or strengthen a splice site. Experimental studies and prediction algorithms are not available or were not evaluated, and the functional significance of this variant is currently unknown. This variant has not been reported in the literature in individuals affected with VHL-related conditions. This variant is not present in population databases (gnomAD no frequency). This sequence change falls in intron 1 of the VHL gene. It is not expected to change the encoded amino acid sequence of the VHL protein. However, this sequence change falls within a cryptic exon in the VHL gene, known as exon E1’, which is naturally expressed at low levels in several human tissues (PMID: 29891534).

Literature cited by the submitters: PubMed 29891534.

NM_000551.4(VHL):c.340+815T>G

Genes: VHL (von Hippel-Lindau tumor suppressor; plus strand), LOC107303340 (3p25 von Hippel-Lindau tumor suppressor, E3 ubiquitin protein ligase Alu-mediated recombination region; plus strand). Cytogenetic location: 3p25.3.
Variant type: single nucleotide variant.
Coding change: c.340+815T>G on transcript NM_000551.4 (MANE Select); 815 bases into the intron after coding-DNA position 340, T replaced by G.
Molecular consequence: intron variant. On other transcripts: stop lost (1), non-coding transcript variant (1).
Genome position (GRCh38, 1-based): chr3:10,143,002, T>G. VCF-style: chr3-10143002-T-G. GRCh37 (hg19) VCF-style: chr3-10184686-T-G.
Other names: c.580T>G, p.Ter194Glu (NM_001354723.2); c.340+815T>G (NM_198156.3).
Identifiers: ClinVar variation 2947435 (VCV002947435.3), dbSNP rs2470160347, ClinGen allele CA2740090929.